The following is an entry in ClinVar:

NM_003242.6(TGFBR2):c.1589C>A (p.Thr530Lys)

Gene: TGFBR2 (transforming growth factor beta receptor 2; plus strand). Cytogenetic location: 3p24.1.
Variant type: single nucleotide variant.
Coding change: c.1589C>A on transcript NM_003242.6 (MANE Select); coding-DNA position 1589, C replaced by A.
Protein change: p.Thr530Lys; replaces threonine 530 with lysine.
Molecular consequence: missense variant.
Genome position (GRCh38, 1-based): chr3:30,691,484, C>A. VCF-style: chr3-30691484-C-A. GRCh37 (hg19) VCF-style: chr3-30732976-C-A.
Other names: c.1664C>A, p.Thr555Lys (NM_001024847.3); c.1772C>A, p.Thr591Lys (NM_001407126.1); c.1697C>A, p.Thr566Lys (NM_001407127.1); c.1616C>A, p.Thr539Lys (NM_001407128.1); c.1592C>A, p.Thr531Lys (NM_001407129.1); c.1586C>A, p.Thr529Lys (NM_001407130.1); c.1484C>A, p.Thr495Lys (NM_001407132.1, NM_001407133.1, NM_001407134.1 and 2 more transcripts); c.1304C>A, p.Thr435Lys (NM_001407137.1); and 2 more; short protein forms T435K, T530K, T591K, T410K, T495K, T529K, T566K, T240K.
Identifiers: ClinVar variation 3635628 (VCV003635628.3).
Genomic context (GRCh38, chr3:30,691,484, plus strand): 5'-TCCAGATGGTGTGTGAGACGTTGACTGAGTGCTGGGACCACGACCCAGAGGCCCGTCTCA[C>A]AGCCCAGTGTGTGGCAGAACGCTTCAGTGAGCTGGAGCATCTGGACAGGCTCTCGGGGAG-3'
Protein context (NP_003233.4, residues 520-540): CWDHDPEARL[Thr530Lys]AQCVAERFSE

ClinVar aggregate classification (germline): Conflicting classifications of pathogenicity. Review status: criteria provided, conflicting classifications (1 of 4 stars). 2 submissions from 2 submitters: Pathogenic (1); Uncertain significance (1). Last evaluated 2024-08-12.

Conditions:
Familial thoracic aortic aneurysm and aortic dissection (TAAD). Also called: Thoracic aortic aneurysms and dissections. Identifiers: Orphanet 91387, MedGen C4707243, MONDO:0019625.

Submissions (2):

Labcorp Genetics (formerly Invitae), Labcorp
Classification: Pathogenic for Familial thoracic aortic aneurysm and aortic dissection. Last evaluated: 2024-08-12. Review status: criteria provided, single submitter. Criteria: Invitae Variant Classification Sherloc (09022015). Collection method: clinical testing. Allele origin: germline.
Comment: This sequence change replaces threonine, which is neutral and polar, with lysine, which is basic and polar, at codon 530 of the TGFBR2 protein (p.Thr530Lys). This variant is not present in population databases (gnomAD no frequency). This missense change has been observed in individual(s) with clinical features of Loeys-Dietz syndrome (Invitae). In at least one individual the variant was observed to be de novo. Advanced modeling of protein sequence and biophysical properties (such as structural, functional, and spatial information, amino acid conservation, physicochemical variation, residue mobility, and thermodynamic stability) performed at Invitae indicates that this missense variant is expected to disrupt TGFBR2 protein function with a positive predictive value of 95%. This variant disrupts the p.Thr530 amino acid residue in TGFBR2. Other variant(s) that disrupt this residue have been observed in individuals with TGFBR2-related conditions (PMID: 19533785), which suggests that this may be a clinically significant amino acid residue. For these reasons, this variant has been classified as Pathogenic.

Blueprint Genetics
Classification: Uncertain significance. Last evaluated: 2020-06-26. Review status: criteria provided, single submitter. Criteria: ACMG Guidelines, 2015. Collection method: clinical testing. Allele origin: germline.

Literature cited by the submitters: PubMed 19533785 (cited by Labcorp Genetics (formerly Invitae), Labcorp).